The following is an entry in ClinVar:

ClinVar aggregate classification (germline): Uncertain significance (1 of 4 stars; one submission).

Conditions:
SEMA3A-related disorder. Also called: SEMA3A-related condition.

Submission:

PreventionGenetics, part of Exact Sciences
Classification: Uncertain significance for SEMA3A-related condition. Last evaluated: 2024-12-18. Review status: criteria provided, single submitter. Criteria: ACMG Guidelines, 2015. Collection method: clinical testing. Allele origin: germline.
Comment: The SEMA3A c.2091_2117delinsG variant is predicted to result in a frameshift and premature protein termination (p.Ser698Hisfs*14). To our knowledge, this variant has not been reported in the literature or in a large population database (gnomAD), indicating this variant is rare. Other loss-of-function (LOF) variants have been reported in the SEMA3A gene with proposed autosomal dominant and recessive inheritance; however, LOF of SEMA3A has not been conclusively established as a disease mechanism. In addition, all reported sequencing LOF variants are upstream of this variant (Saengkaew et al. 2021. PubMed ID: 34403359; Federici et al. 2022. PubMed ID: 36531499; Hanchate et al. 2012. PubMed ID: 22927827). Although we suspect that this variant may be pathogenic, at this time, the clinical significance of this variant is uncertain due to the absence of conclusive functional and genetic evidence.

NM_006080.3(SEMA3A):c.2091_2117delinsG (p.Ser698fs)

Gene: SEMA3A (semaphorin 3A; minus strand). Cytogenetic location: 7q21.11.
Variant type: Indel.
Coding change: c.2091_2117delinsG on transcript NM_006080.3 (MANE Select); coding-DNA positions 2091 to 2117, TAGCCAGAAGGTCTGGTACAGAGACTT replaced by G.
Protein change: p.Ser698fs; shifts the reading frame from serine 698.
Molecular consequence: frameshift variant.
Genome position (GRCh38, 1-based): chr7:83,961,570-83,961,596, AAGTCTCTGTACCAGACCTTCTGGCTA replaced by C on the plus strand (TAGCCAGAAGGTCTGGTACAGAGACTT replaced by G on the coding strand, the reverse complement: SEMA3A is on the minus strand). VCF-style: chr7-83961570-AAGTCTCTGTACCAGACCTTCTGGCTA-C. GRCh37 (hg19) VCF-style: chr7-83590886-AAGTCTCTGTACCAGACCTTCTGGCTA-C.
Other names: c.2091_2117del27insG, p.Ser698Hisfs (NM_006080.2); short protein forms S698fs.
Identifiers: ClinVar variation 5000793 (VCV005000793.1).